The following is an entry in ClinVar:

ClinVar aggregate classification (germline): Uncertain significance. Review status: criteria provided, multiple submitters, no conflicts (2 of 4 stars). 2 submissions from 2 submitters: Uncertain significance (2). Last evaluated 2025-10-01.

Conditions:
Inborn genetic diseases. Identifiers: MedGen C0950123, MeSH D030342.

Submissions (2):

Ambry Genetics
Classification: Uncertain significance for Inborn genetic diseases. Last evaluated: 2025-10-01. Review status: criteria provided, single submitter. Criteria: Ambry Variant Classification Scheme 2023. Collection method: clinical testing. Allele origin: germline.

GeneDx
Classification: Uncertain significance. Last evaluated: 2025-06-11. Review status: criteria provided, single submitter. Criteria: GeneDx Variant Classification Process June 2021. Collection method: clinical testing. Allele origin: germline. Affected: yes.
Comment: Not observed at significant frequency in large population cohorts (gnomAD); In silico analysis supports that this missense variant has a deleterious effect on protein structure/function; Has not been previously published as pathogenic or benign to our knowledge

NM_138459.5(NUS1):c.620T>C (p.Phe207Ser)

Gene: NUS1 (NUS1 dehydrodolichyl diphosphate synthase subunit; plus strand). Cytogenetic location: 6q22.1.
Variant type: single nucleotide variant.
Coding change: c.620T>C on transcript NM_138459.5 (MANE Select); coding-DNA position 620, T replaced by C.
Protein change: p.Phe207Ser; replaces phenylalanine 207 with serine.
Molecular consequence: missense variant.
Genome position (GRCh38, 1-based): chr6:117,694,109, T>C. VCF-style: chr6-117694109-T-C. GRCh37 (hg19) VCF-style: chr6-118015272-T-C.
Other names: short protein forms F207S.
Identifiers: ClinVar variation 4538174 (VCV004538174.2).